The following is an entry in ClinVar:

ClinVar aggregate classification (germline): Benign (1 of 4 stars; one submission).

Conditions:
Breast-ovarian cancer, familial, susceptibility to, 4. Identifiers: Orphanet 145, MedGen C3280345, MONDO:0013669, OMIM 614291.

Submission:

Myriad Genetics, Inc.
Classification: Benign for Breast-ovarian cancer, familial, susceptibility to, 4. Last evaluated: 2025-02-25. Review status: criteria provided, single submitter. Criteria: Myriad Autosomal Dominant, Autosomal Recessive and X-Linked Classification Criteria (2023). Collection method: clinical testing. Allele origin: unknown.
Comment: This variant is considered benign. This variant is a silent/synonymous amino acid change and it is not expected to impact splicing.

NM_002878.4(RAD51D):c.864C>G (p.Gly288=)

Genes: RAD51D (RAD51 paralog D; minus strand), RAD51L3-RFFL (RAD51L3-RFFL readthrough; minus strand). Cytogenetic location: 17q12.
Variant type: single nucleotide variant.
Coding change: c.864C>G on transcript NM_002878.4 (MANE Select); coding-DNA position 864, C replaced by G.
Protein change: p.Gly288=; no amino-acid change (glycine 288 retained).
Molecular consequence: synonymous variant. On other transcripts: non-coding transcript variant (3).
Genome position (GRCh38, 1-based): chr17:35,101,240, G>C on the plus strand (C>G on the coding strand, the complement: RAD51D is on the minus strand). VCF-style: chr17-35101240-G-C. GRCh37 (hg19) VCF-style: chr17-33428259-G-C.
Other names: c.924C>G, p.Gly308= (NM_001142571.2); c.528C>G, p.Gly176= (NM_133629.3).
Identifiers: ClinVar variation 3903743 (VCV003903743.1).